The following is an entry in ClinVar:

NM_006922.4(SCN3A):c.694+1G>T

Gene: SCN3A (sodium voltage-gated channel alpha subunit 3; minus strand). Cytogenetic location: 2q24.3.
Variant type: single nucleotide variant.
Coding change: c.694+1G>T on transcript NM_006922.4 (MANE Select); the canonical splice donor site of the intron after coding-DNA position 694, G replaced by T.
Molecular consequence: splice donor variant. On other transcripts: intron variant (1).
Genome position (GRCh38, 1-based): chr2:165,163,617, C>A on the plus strand (G>T on the coding strand, the complement: SCN3A is on the minus strand). VCF-style: chr2-165163617-C-A. GRCh37 (hg19) VCF-style: chr2-166020127-C-A.
Other names: c.694+1G>T (NM_001081676.2); c.694+185G>T (NM_001081677.2).
Identifiers: ClinVar variation 1320212 (VCV001320212.6), dbSNP rs2105892972, ClinGen allele CA349239461.
Genomic context (GRCh38, chr2:165,163,617, plus strand): 5'-ATATAAATTGATTTCAAACTCAATAATTAAAGTCAACCTCGGTGTTTAACCTAGCTCTCA[C>A]CTGGAATGACTGAAATTGTTTTCAGTGCTCGGAGAACTCTGAATGTTCTCAACGCTGAGA-3'

ClinVar aggregate classification (germline): Conflicting classifications of pathogenicity. Review status: criteria provided, conflicting classifications (1 of 4 stars). 2 submissions from 2 submitters: Likely pathogenic (1); Uncertain significance (1). Last evaluated 2022-07-15.

Conditions:
Developmental and epileptic encephalopathy, 62. Also called: Early infantile epileptic encephalopathy 62. Identifiers: MedGen C4693699, MONDO:0033371, OMIM 617938.

Allele frequency attached by ClinVar (database versions not stated): gnomAD exomes below 0.00001.
gnomAD v4.1: 1 of 1,613,948 alleles (0.000062%); highest among the groups gnomAD compares: African/African-American, 0.0013%; no homozygotes.

Submissions (2):

Labcorp Genetics (formerly Invitae), Labcorp
Classification: Uncertain significance. Last evaluated: 2022-07-15. Review status: criteria provided, single submitter. Criteria: Invitae Variant Classification Sherloc (09022015). Collection method: clinical testing. Allele origin: germline.
Comment: In summary, the available evidence is currently insufficient to determine the role of this variant in disease. Therefore, it has been classified as a Variant of Uncertain Significance. Algorithms developed to predict the effect of sequence changes on RNA splicing suggest that this variant may disrupt the consensus splice site. ClinVar contains an entry for this variant (Variation ID: 1320212). This variant has not been reported in the literature in individuals affected with SCN3A-related conditions. This variant is not present in population databases (gnomAD no frequency). This sequence change affects a donor splice site in intron 7 of the SCN3A gene. It is expected to disrupt RNA splicing. Variants that disrupt the donor or acceptor splice site typically lead to a loss of protein function (PMID: 16199547), however the current clinical and genetic evidence is not sufficient to establish whether loss-of-function variants in SCN3A cause disease.

3billion
Classification: Likely pathogenic for Developmental and epileptic encephalopathy, 62. Last evaluated: 2021-10-02. Review status: criteria provided, single submitter. Criteria: ACMG Guidelines, 2015. Collection method: clinical testing. Allele origin: unknown. Affected: yes. Observed: 1 heterozygote.
Comment: Canonical splice site: predicted to alter splicing and result in a loss or disruption of normal protein function through nonsense-mediated decay (NMD) or protein truncation. Multiple pathogenic variants are reported downstream of the variant (PVS1_VS). It is not observed in the gnomAD v2.1.1 dataset (PM2). Therefore, this variant is classified as likely pathogenic according to the recommendation of ACMG/AMP guideline.

Literature cited by the submitters: PubMed 16199547 (cited by Labcorp Genetics (formerly Invitae), Labcorp).